The following is an entry in ClinVar:

NM_021930.6(RINT1):c.697G>A (p.Glu233Lys)

Gene: RINT1 (RAD50 interactor 1; plus strand). Cytogenetic location: 7q22.3.
Variant type: single nucleotide variant.
Coding change: c.697G>A on transcript NM_021930.6 (MANE Select); coding-DNA position 697, G replaced by A.
Protein change: p.Glu233Lys; replaces glutamic acid 233 with lysine.
Molecular consequence: missense variant. On other transcripts: 5 prime UTR variant (2), non-coding transcript variant (1), intron variant (1).
Genome position (GRCh38, 1-based): chr7:105,547,191, G>A. VCF-style: chr7-105547191-G-A. GRCh37 (hg19) VCF-style: chr7-105187638-G-A.
Other names: c.463G>A, p.Glu155Lys (NM_001346599.2); c.-323G>A (NM_001346600.2); c.-226G>A (NM_001346601.2); c.-27-2864G>A (NM_001346603.2); short protein forms E155K, E233K.
Identifiers: ClinVar variation 5028259 (VCV005028259.1).

ClinVar aggregate classification (germline): Uncertain significance (1 of 4 stars; one submission).

Submission:

Ambry Genetics
Classification: Uncertain significance. Last evaluated: 2026-06-16. Review status: criteria provided, single submitter. Criteria: Ambry Variant Classification Scheme 2023. Collection method: clinical testing. Allele origin: germline.
Comment: The p.E233K variant (also known as c.697G>A), located in coding exon 6 of the RINT1 gene, results from a G to A substitution at nucleotide position 697. The glutamic acid at codon 233 is replaced by lysine, an amino acid with similar properties. This amino acid position is conserved. In addition, the in silico prediction for this alteration is inconclusive. Based on the available evidence, the clinical significance of this variant remains unclear.